The following is an entry in ClinVar:

ClinVar aggregate classification (germline): Uncertain significance. Review status: criteria provided, multiple submitters, no conflicts (2 of 4 stars). 2 submissions from 2 submitters: Uncertain significance (2). Last evaluated 2025-12-22.

Conditions:
Cardiovascular phenotype. Identifiers: MedGen CN230736.
Brugada syndrome 8 (BRGDA8). Identifiers: Orphanet 130, MedGen C2751083, MONDO:0013148, OMIM 613123.

Allele frequency attached by ClinVar (database versions not stated): TOPMed below 0.00001; gnomAD 0.00001.

Submissions (2):

Labcorp Genetics (formerly Invitae), Labcorp
Classification: Uncertain significance for Brugada syndrome 8. Last evaluated: 2025-12-22. Review status: criteria provided, single submitter. Criteria: Invitae Variant Classification Sherloc (09022015). Collection method: clinical testing. Allele origin: germline.
Comment: This sequence change replaces alanine, which is neutral and non-polar, with valine, which is neutral and non-polar, at codon 803 of the HCN4 protein (p.Ala803Val). This variant is not present in population databases (gnomAD no frequency). This variant has not been reported in the literature in individuals affected with HCN4-related conditions. ClinVar contains an entry for this variant (Variation ID: 1414491). Invitae Evidence Modeling of protein sequence and biophysical properties (such as structural, functional, and spatial information, amino acid conservation, physicochemical variation, residue mobility, and thermodynamic stability) indicates that this missense variant is not expected to disrupt HCN4 protein function with a negative predictive value of 95%. In summary, the available evidence is currently insufficient to determine the role of this variant in disease. Therefore, it has been classified as a Variant of Uncertain Significance.

Ambry Genetics
Classification: Uncertain significance for Cardiovascular phenotype. Last evaluated: 2025-05-24. Review status: criteria provided, single submitter. Criteria: Ambry Variant Classification Scheme 2023. Collection method: clinical testing. Allele origin: germline.
Comment: The p.A803V variant (also known as c.2408C>T), located in coding exon 8 of the HCN4 gene, results from a C to T substitution at nucleotide position 2408. The alanine at codon 803 is replaced by valine, an amino acid with similar properties. This amino acid position is conserved. In addition, this alteration is predicted to be tolerated by in silico analysis. Based on the available evidence, the clinical significance of this variant remains unclear.

NM_005477.3(HCN4):c.2408C>T (p.Ala803Val)

Gene: HCN4 (hyperpolarization activated cyclic nucleotide gated potassium channel 4; minus strand). Cytogenetic location: 15q24.1.
Variant type: single nucleotide variant.
Coding change: c.2408C>T on transcript NM_005477.3 (MANE Select); coding-DNA position 2408, C replaced by T.
Protein change: p.Ala803Val; replaces alanine 803 with valine.
Molecular consequence: missense variant.
Genome position (GRCh38, 1-based): chr15:73,323,685, G>A on the plus strand (C>T on the coding strand, the complement: HCN4 is on the minus strand). VCF-style: chr15-73323685-G-A. GRCh37 (hg19) VCF-style: chr15-73616026-G-A.
Other names: c.2408C>T (NM_005477.2); short protein forms A803V.
Identifiers: ClinVar variation 1414491 (VCV001414491.7), dbSNP rs764336375, ClinGen allele CA7649033.